The following is an entry in ClinVar:

ClinVar aggregate classification (germline): Uncertain significance (1 of 4 stars; one submission).

Allele frequency attached by ClinVar (database versions not stated): gnomAD exomes below 0.00001; gnomAD 0.00001.
gnomAD v4.1: 5 of 1,613,830 alleles (0.00031%); highest among the groups gnomAD compares: African/African-American, 0.0067%; no homozygotes.

Submission:

Labcorp Genetics (formerly Invitae), Labcorp
Classification: Uncertain significance. Last evaluated: 2022-04-13. Review status: criteria provided, single submitter. Criteria: Invitae Variant Classification Sherloc (09022015). Collection method: clinical testing. Allele origin: germline.
Comment: In summary, the available evidence is currently insufficient to determine the role of this variant in disease. Therefore, it has been classified as a Variant of Uncertain Significance. Advanced modeling of protein sequence and biophysical properties (such as structural, functional, and spatial information, amino acid conservation, physicochemical variation, residue mobility, and thermodynamic stability) performed at Invitae indicates that this missense variant is not expected to disrupt CACNA1B protein function. This variant has not been reported in the literature in individuals affected with CACNA1B-related conditions. This variant is present in population databases (no rsID available, gnomAD 0.007%). This sequence change replaces glycine, which is neutral and non-polar, with glutamic acid, which is acidic and polar, at codon 1107 of the CACNA1B protein (p.Gly1107Glu).

NM_000718.4(CACNA1B):c.3320G>A (p.Gly1107Glu)

Genes: CACNA1B (calcium voltage-gated channel subunit alpha1 B; plus strand), LOC101928786 (uncharacterized LOC101928786; minus strand). Cytogenetic location: 9q34.3.
Variant type: single nucleotide variant.
Coding change: c.3320G>A on transcript NM_000718.4 (MANE Select); coding-DNA position 3320, G replaced by A.
Protein change: p.Gly1107Glu; replaces glycine 1107 with glutamic acid.
Molecular consequence: missense variant.
Genome position (GRCh38, 1-based): chr9:138,043,807, G>A. VCF-style: chr9-138043807-G-A. GRCh37 (hg19) VCF-style: chr9-140938259-G-A.
Other names: c.3320G>A, p.Gly1107Glu (NM_001243812.2); short protein forms G1107E.
Identifiers: ClinVar variation 1960268 (VCV001960268.5), dbSNP rs1434615724, ClinGen allele CA375811308.
Genomic context (GRCh38, chr9:138,043,807, plus strand): 5'-TTACTCGGGGGCCCTGTGTCCTTGTAGGTGGTAACGTGGACCTGGAAAGCCAAGCAGAGG[G>A]GAAGAAGGAGGTGGAAGCGGATGACGTGATGAGGAGCGGCCCCCGGCCTATCGTCCCATA-3'
Protein context (NP_000709.1, residues 1097-1117): GNVDLESQAE[Gly1107Glu]KKEVEADDVM